The following is an entry in ClinVar:

ClinVar aggregate classification (germline): Benign. Review status: criteria provided, multiple submitters, no conflicts (2 of 4 stars). 7 submissions from 4 submitters: Benign (7). Last evaluated 2024-07-15.

Conditions:
Fetal akinesia, respiratory insufficiency, microcephaly, polymicrogyria, and dysmorphic facies. Identifiers: MedGen C5562015, MONDO:0859204, OMIM 619602.
Migraine, familial hemiplegic, 2. Identifiers: Orphanet 569, MedGen C1865322, MONDO:0011232, OMIM 602481.
Alternating hemiplegia of childhood 1 (AHC1). Identifiers: Orphanet 2131, MedGen C3549447, MONDO:0007087, OMIM 104290.
Developmental and epileptic encephalopathy 98. Identifiers: MedGen C5562017, MONDO:0030472, OMIM 619605.

Allele frequency attached by ClinVar (database versions not stated): TOPMed 0.99951; gnomAD 0.99954 and 0.99960; ESP Exome Variant Server 0.99977; ExAC 0.99987; gnomAD exomes 0.99992 and 0.99996; 1000 Genomes Project 1.00000; 1000 Genomes Project 30x 1.00000.

Submissions (7):

Unidad de Genómica Garrahan, Hospital de Pediatría Garrahan
Classification: Benign. Last evaluated: 2024-07-15. Review status: criteria provided, single submitter. Criteria: ACMG Guidelines, 2015. Collection method: clinical testing. Allele origin: germline. Affected: no. Observed: 93 variant alleles.
Comment: This variant is classified as Benign based on local population frequency. This variant was detected in 100% of patients studied in a panel designed for Epileptic and Developmental Encephalopathy and Progressive Myoclonus Epilepsy. Number of patients: 93. Only high quality variants are reported.

Genome-Nilou Lab
Classification: Benign for Developmental and epileptic encephalopathy 98. Last evaluated: 2021-12-05. Review status: criteria provided, single submitter. Criteria: ACMG Guidelines, 2015. Collection method: clinical testing. Allele origin: germline. Affected: no.

Genome-Nilou Lab
Classification: Benign for Fetal akinesia, respiratory insufficiency, microcephaly, polymicrogyria, and dysmorphic facies. Last evaluated: 2021-12-05. Review status: criteria provided, single submitter. Criteria: ACMG Guidelines, 2015. Collection method: clinical testing. Allele origin: germline. Affected: no.

Genome-Nilou Lab
Classification: Benign for Migraine, familial hemiplegic, 2. Last evaluated: 2021-12-05. Review status: criteria provided, single submitter. Criteria: ACMG Guidelines, 2015. Collection method: clinical testing. Allele origin: germline. Affected: no.

Genome-Nilou Lab
Classification: Benign for Alternating hemiplegia of childhood 1. Last evaluated: 2021-07-14. Review status: criteria provided, single submitter. Criteria: ACMG Guidelines, 2015. Collection method: clinical testing. Allele origin: germline. Affected: no.

GeneDx
Classification: Benign. Last evaluated: 2018-06-14. Review status: criteria provided, single submitter. Criteria: GeneDx Variant Classification (06012015). Collection method: clinical testing. Allele origin: germline. Affected: yes.
Comment: This variant is considered likely benign or benign based on one or more of the following criteria: it is a conservative change, it occurs at a poorly conserved position in the protein, it is predicted to be benign by multiple in silico algorithms, and/or has population frequency not consistent with disease.

Breakthrough Genomics
Classification: Benign. Review status: criteria provided, single submitter. Criteria: ACMG Guidelines, 2015. Collection method: not provided. Allele origin: germline. Inheritance: Autosomal recessive inheritance. Affected: yes.

NM_000702.4(ATP1A2):c.13-22T>C

Gene: ATP1A2 (ATPase Na+/K+ transporting subunit alpha 2; plus strand). Cytogenetic location: 1q23.2.
Variant type: single nucleotide variant.
Coding change: c.13-22T>C on transcript NM_000702.4 (MANE Select); 22 bases into the intron before coding-DNA position 13, T replaced by C.
Molecular consequence: intron variant.
Genome position (GRCh38, 1-based): chr1:160,120,884, T>C. VCF-style: chr1-160120884-T-C. GRCh37 (hg19) VCF-style: chr1-160090674-T-C.
Identifiers: ClinVar variation 670739 (VCV000670739.7), dbSNP rs2854246, ClinGen allele CA1194061.